The following is an entry in ClinVar:

NM_003242.6(TGFBR2):c.645C>G (p.His215Gln)

Gene: TGFBR2 (transforming growth factor beta receptor 2; plus strand). Cytogenetic location: 3p24.1.
Variant type: single nucleotide variant.
Coding change: c.645C>G on transcript NM_003242.6 (MANE Select); coding-DNA position 645, C replaced by G.
Protein change: p.His215Gln; replaces histidine 215 with glutamine.
Molecular consequence: missense variant.
Genome position (GRCh38, 1-based): chr3:30,671,828, C>G. VCF-style: chr3-30671828-C-G. GRCh37 (hg19) VCF-style: chr3-30713320-C-G.
Other names: c.720C>G, p.His240Gln (NM_001024847.3); c.828C>G, p.His276Gln (NM_001407126.1); c.753C>G, p.His251Gln (NM_001407127.1); c.672C>G, p.His224Gln (NM_001407128.1); c.648C>G, p.His216Gln (NM_001407129.1); c.645C>G, p.His215Gln (NM_001407130.1); c.540C>G, p.His180Gln (NM_001407132.1, NM_001407133.1, NM_001407134.1 and 2 more transcripts); c.360C>G, p.His120Gln (NM_001407137.1); and 1 more; short protein forms H215Q, H240Q, H216Q, H224Q, H251Q, H95Q, H120Q, H276Q.
Identifiers: ClinVar variation 543889 (VCV000543889.10), dbSNP rs758827786, ClinGen allele CA049515.

ClinVar aggregate classification (germline): Uncertain significance. Review status: criteria provided, multiple submitters, no conflicts (2 of 4 stars). 5 submissions from 5 submitters: Uncertain significance (5). Last evaluated 2025-07-14.

Conditions:
Familial thoracic aortic aneurysm and aortic dissection (TAAD). Also called: Thoracic aortic aneurysms and dissections. Identifiers: Orphanet 91387, MedGen C4707243, MONDO:0019625.
Loeys-Dietz syndrome 2 (LDS2). Also called: AORTIC ANEURYSM, FAMILIAL THORACIC 3; MARFAN SYNDROME, TYPE II; Marfan syndrome, type 2 (formerly); TGFBR2-Related Loeys-Dietz Syndrome; Marfan Syndrome type 2; Marfan like connective tissue disorder. Identifiers: Orphanet 284973, Orphanet 558, MedGen C2674574, MONDO:0012427, OMIM 610168.

Allele frequency attached by ClinVar (database versions not stated): gnomAD exomes below 0.00001 and 0.00001; ExAC 0.00001.
gnomAD v4.1: 4 of 1,614,244 alleles (0.00025%); highest among the groups gnomAD compares: South Asian, 0.0011%; no homozygotes.

Submissions (5):

Color Diagnostics, LLC DBA Color Health
Classification: Uncertain significance for Familial thoracic aortic aneurysm and aortic dissection. Last evaluated: 2025-07-14. Review status: criteria provided, single submitter. Criteria: ACMG Guidelines, 2015. Collection method: clinical testing. Allele origin: germline.
Comment: This missense variant replaces histidine with glutamine at codon 215 of the TGFBR2 protein. Computational prediction suggests that this variant may not impact protein structure and function. To our knowledge, functional studies have not been reported for this variant. This variant has not been reported in individuals affected with TGFBR2-related disorders in the literature. This variant has been identified in 1/251078 chromosomes in the general population by the Genome Aggregation Database (gnomAD). The available evidence is insufficient to determine the role of this variant in disease conclusively. Therefore, this variant is classified as a Variant of Uncertain Significance.

Labcorp Genetics (formerly Invitae), Labcorp
Classification: Uncertain significance for Familial thoracic aortic aneurysm and aortic dissection. Last evaluated: 2024-12-04. Review status: criteria provided, single submitter. Criteria: Invitae Variant Classification Sherloc (09022015). Collection method: clinical testing. Allele origin: germline.
Comment: This sequence change replaces histidine, which is basic and polar, with glutamine, which is neutral and polar, at codon 215 of the TGFBR2 protein (p.His215Gln). This variant is present in population databases (rs758827786, gnomAD 0.003%). This variant has not been reported in the literature in individuals affected with TGFBR2-related conditions. ClinVar contains an entry for this variant (Variation ID: 543889). Invitae Evidence Modeling of protein sequence and biophysical properties (such as structural, functional, and spatial information, amino acid conservation, physicochemical variation, residue mobility, and thermodynamic stability) indicates that this missense variant is not expected to disrupt TGFBR2 protein function with a negative predictive value of 95%. In summary, the available evidence is currently insufficient to determine the role of this variant in disease. Therefore, it has been classified as a Variant of Uncertain Significance.

Ambry Genetics
Classification: Uncertain significance for Familial thoracic aortic aneurysm and aortic dissection. Last evaluated: 2024-07-07. Review status: criteria provided, single submitter. Criteria: Ambry Variant Classification Scheme 2023. Collection method: clinical testing. Allele origin: germline.
Comment: The p.H215Q variant (also known as c.645C>G), located in coding exon 4 of the TGFBR2 gene, results from a C to G substitution at nucleotide position 645. The histidine at codon 215 is replaced by glutamine, an amino acid with highly similar properties. This amino acid position is conserved. In addition, this alteration is predicted to be tolerated by in silico analysis. Based on the available evidence, the clinical significance of this variant remains unclear.

GeneDx
Classification: Uncertain significance. Last evaluated: 2024-06-25. Review status: criteria provided, single submitter. Criteria: GeneDx Variant Classification Process June 2021. Collection method: clinical testing. Allele origin: germline. Affected: yes.
Comment: Not observed at significant frequency in large population cohorts (gnomAD); In silico analysis indicates that this missense variant does not alter protein structure/function; Has not been previously published as pathogenic or benign to our knowledge

All of Us Research Program, National Institutes of Health
Classification: Uncertain significance for Loeys-Dietz syndrome 2. Last evaluated: 2023-04-10. Review status: criteria provided, single submitter. Criteria: ACMG Guidelines, 2015. Collection method: clinical testing. Allele origin: germline. Inheritance: Autosomal dominant inheritance. Observed: 1 variant allele, 1 heterozygote.
Comment: This missense variant replaces histidine with glutamine at codon 215 of the TGFBR2 protein. Computational prediction suggests that this variant may not impact protein structure and function (internally defined REVEL score threshold <= 0.5, PMID: 27666373). To our knowledge, functional studies have not been reported for this variant. This variant has not been reported in individuals affected with TGFBR2-related disorders in the literature. This variant has been identified in 1/251078 chromosomes in the general population by the Genome Aggregation Database (gnomAD). The available evidence is insufficient to determine the role of this variant in disease conclusively. Therefore, this variant is classified as a Variant of Uncertain Significance.

This study involves interpretation of variants in research participants for the purpose of population health screening. Participant phenotype was not available at the time of variant classification. Additional details can be found in publication PMID: 35346344, PMCID: PMC8962531